The following is an entry in ClinVar:

ClinVar aggregate classification (germline): Pathogenic/Likely pathogenic. Review status: criteria provided, multiple submitters, no conflicts (2 of 4 stars). 4 submissions from 4 submitters: Pathogenic (2); Likely pathogenic (1). 1 of the submissions does not count toward it. Last evaluated 2025-12-03.

Conditions:
Deficiency of adenosine deaminase 2. Also called: Polyarteritis nodosa, childhoood-onset; Adenosine Deaminase 2 Deficiency; VASCULITIS, AUTOINFLAMMATION, IMMUNODEFICIENCY, AND HEMATOLOGIC DEFECTS SYNDROME. Identifiers: Orphanet 404553, MedGen C3887654, MONDO:0014306, OMIM 615688, MONDO:0100317.
Sneddon syndrome (SNDNS). Also called: LIVEDO RETICULARIS AND CEREBROVASCULAR ACCIDENTS; Idiopathic livedo reticularis with systemic involvement. Identifiers: Orphanet 820, MedGen C0282492, MONDO:0008436, OMIM 182410.

Allele frequency attached by ClinVar (database versions not stated): gnomAD 0.00003 and 0.00004; TOPMed 0.00014; gnomAD exomes 0.00004 and 0.00001; ExAC 0.00007.

Submissions (4):

GeneDx
Classification: Pathogenic. Last evaluated: 2025-12-03. Review status: criteria provided, single submitter. Criteria: GeneDx Variant Classification Process June 2021. Collection method: clinical testing. Allele origin: germline.
Comment: Published functional studies demonstrate that the variant disrupts normal ADA2 enzyme function (PMID: 34004258, 37150360); In silico analysis supports that this missense variant has a deleterious effect on protein structure/function; This variant is associated with the following publications: (PMID: 30645994, 25075847, 33021335, 34210540, 34004258, 37150360, 39924119)

Labcorp Genetics (formerly Invitae), Labcorp
Classification: Pathogenic for Deficiency of adenosine deaminase 2. Last evaluated: 2025-11-24. Review status: criteria provided, single submitter. Criteria: Invitae Variant Classification Sherloc (09022015). Collection method: clinical testing. Allele origin: germline.
Comment: This sequence change replaces glycine, which is neutral and non-polar, with serine, which is neutral and polar, at codon 383 of the ADA2 protein (p.Gly383Ser). This variant is present in population databases (rs770689762, gnomAD 0.008%). This missense change has been observed in individual(s) with deficiency of adenosine deaminase 2 (DADA2) (PMID: 25075847). In at least one individual the data is consistent with being in trans (on the opposite chromosome) from a pathogenic variant. It has also been observed to segregate with disease in related individuals. This variant is also known as 424G>A (G142S). ClinVar contains an entry for this variant (Variation ID: 189343). Invitae Evidence Modeling of protein sequence and biophysical properties (such as structural, functional, and spatial information, amino acid conservation, physicochemical variation, residue mobility, and thermodynamic stability) indicates that this missense variant is expected to disrupt ADA2 protein function with a positive predictive value of 80%. For these reasons, this variant has been classified as Pathogenic.

Fulgent Genetics
Classification: Likely pathogenic for Sneddon syndrome; Deficiency of adenosine deaminase 2. Last evaluated: 2022-01-11. Review status: criteria provided, single submitter. Criteria: ACMG Guidelines, 2015. Collection method: clinical testing. Allele origin: unknown.

OMIM
Classification: Pathogenic for SNEDDON SYNDROME. Last evaluated: 2014-07-31. Review status: no assertion criteria provided. Collection method: literature only. Allele origin: germline. Not counted in ClinVar's aggregate classification.

Literature cited by the submitters: PubMed 25075847 (cited by Labcorp Genetics (formerly Invitae), Labcorp and OMIM).

NM_001282225.2(ADA2):c.1147G>A (p.Gly383Ser)

Gene: ADA2 (adenosine deaminase 2; minus strand). Cytogenetic location: 22q11.1.
Variant type: single nucleotide variant.
Coding change: c.1147G>A on transcript NM_001282225.2 (MANE Select); coding-DNA position 1147, G replaced by A.
Protein change: p.Gly383Ser; replaces glycine 383 with serine.
Molecular consequence: missense variant.
Genome position (GRCh38, 1-based): chr22:17,182,696, C>T on the plus strand (G>A on the coding strand, the complement: ADA2 is on the minus strand). VCF-style: chr22-17182696-C-T. GRCh37 (hg19) VCF-style: chr22-17663586-C-T.
Other names: c.1147G>A, p.Gly383Ser (NM_001282226.2); c.1021G>A, p.Gly341Ser (NM_001282227.2, NM_001282228.2); c.787G>A, p.Gly263Ser (NM_001282229.2); c.424G>A, p.Gly142Ser (NM_177405.3); short protein forms G142S, G341S, G383S, G263S.
Identifiers: ClinVar variation 189343 (VCV000189343.13), dbSNP rs770689762, ClinGen allele CA199245.
Genomic context (GRCh38, chr22:17,182,696, plus strand): 5'-TGTCCTTTTTCCAGGAGTAAGTCCTGACTGCGGGGTGTTTGCTCAAAGCAAATCCATGGC[C>T]GATTCTGGTAGTGTTCAGCATCAGAGCATCCAGAATGTTCCTGTCTATGGAAGTACCCTG-3'
Protein context (NP_001269154.1, residues 373-393): DALMLNTTRI[Gly383Ser]HGFALSKHPA